The following is an entry in ClinVar:

NM_018063.5(HELLS):c.1390C>T (p.Arg464Ter)

Gene: HELLS (helicase, lymphoid specific; plus strand). Cytogenetic location: 10q23.33.
Variant type: single nucleotide variant.
Coding change: c.1390C>T on transcript NM_018063.5 (MANE Select); coding-DNA position 1390, C replaced by T.
Protein change: p.Arg464Ter; replaces arginine 464 with a stop codon.
Molecular consequence: nonsense.
Genome position (GRCh38, 1-based): chr10:94,588,292, C>T. VCF-style: chr10-94588292-C-T. GRCh37 (hg19) VCF-style: chr10-96348049-C-T.
Other names: c.1528C>T, p.Arg510Ter (NM_001289067.2); c.1342C>T, p.Arg448Ter (NM_001289068.2); c.1294C>T, p.Arg432Ter (NM_001289069.2); c.1096C>T, p.Arg366Ter (NM_001289070.2); c.1018C>T, p.Arg340Ter (NM_001289071.2); c.1000C>T, p.Arg334Ter (NM_001289072.2); c.976C>T, p.Arg326Ter (NM_001289073.2); c.307C>T, p.Arg103Ter (NM_001289074.2); and 1 more; short protein forms R334*, R340*, R510*, R58*, R103*, R326*, R432*, R464*.
Identifiers: ClinVar variation 3689335 (VCV003689335.2).
Genomic context (GRCh38, chr10:94,588,292, plus strand): 5'-TTAACACCTTTCTTATTGAGAAGACTGAAGTCTGATGTTGCTCTTGAAGTTCCTCCTAAA[C>T]GAGAAGTAGTCGTTTATGCTCCACTTTCAAAGAAGCAGGAGATCTTTTATACAGCCATTG-3'

ClinVar aggregate classification (germline): Pathogenic (1 of 4 stars; one submission).

Submission:

Labcorp Genetics (formerly Invitae), Labcorp
Classification: Pathogenic. Last evaluated: 2025-02-24. Review status: criteria provided, single submitter. Criteria: Invitae Variant Classification Sherloc (09022015). Collection method: clinical testing. Allele origin: germline.
Comment: This sequence change creates a premature translational stop signal (p.Arg464*) in the HELLS gene. It is expected to result in an absent or disrupted protein product. Loss-of-function variants in HELLS are known to be pathogenic (PMID: 26216346). This variant is not present in population databases (gnomAD no frequency). This variant has not been reported in the literature in individuals affected with HELLS-related conditions. For these reasons, this variant has been classified as Pathogenic.

Literature cited by the submitters: PubMed 26216346.